The following is an entry in ClinVar:

ClinVar aggregate classification (germline): Uncertain significance (1 of 4 stars; one submission).

Conditions:
Idiopathic generalized epilepsy. Also called: EIG; Generalised epilepsy. Identifiers: MedGen C0270850, MONDO:0005579, OMIM 600669.

Submission:

Labcorp Genetics (formerly Invitae), Labcorp
Classification: Uncertain significance for Idiopathic generalized epilepsy. Last evaluated: 2019-05-21. Review status: criteria provided, single submitter. Criteria: Invitae Variant Classification Sherloc (09022015). Collection method: clinical testing. Allele origin: germline.
Comment: This sequence change falls in intron 2 of the RBFOX1 gene. It does not directly change the encoded amino acid sequence of the RBFOX1 protein, but it affects a nucleotide within the consensus splice site of the intron. This variant is not present in population databases (ExAC no frequency). This variant has not been reported in the literature in individuals with RBFOX1-related disease. Nucleotide substitutions within the consensus splice site are a relatively common cause of aberrant splicing (PMID: 17576681, 9536098). Algorithms developed to predict the effect of sequence changes on RNA splicing suggest that this variant may disrupt the consensus splice site, but this prediction has not been confirmed by published transcriptional studies. In summary, the available evidence is currently insufficient to determine the role of this variant in disease. Therefore, it has been classified as a Variant of Uncertain Significance.

Literature cited by the submitters: PubMed 17576681; PubMed 9536098.

NM_018723.4(RBFOX1):c.270+5G>T

Gene: RBFOX1 (RNA binding fox-1 homolog 1; plus strand). Cytogenetic location: 16p13.3.
Variant type: single nucleotide variant.
Coding change: c.270+5G>T on transcript NM_018723.4 (MANE Select); 5 bases into the intron after coding-DNA position 270, G replaced by T.
Molecular consequence: intron variant.
Genome position (GRCh38, 1-based): chr16:7,518,394, G>T. VCF-style: chr16-7518394-G-T. GRCh37 (hg19) VCF-style: chr16-7568396-G-T.
Other names: c.270+5G>T (NM_001364800.2, NM_001142333.2, NM_001142334.2); c.399+5G>T (NM_001308117.1); c.330+5G>T (NM_145893.3, NM_145891.3, NM_145892.3).
Identifiers: ClinVar variation 947683 (VCV000947683.3), dbSNP rs2076823058, ClinGen allele CA1139664502.